The following is an entry in ClinVar:

NM_017739.4(POMGNT1):c.782T>C (p.Leu261Pro)

Genes: POMGNT1 (protein O-linked mannose N-acetylglucosaminyltransferase 1 (beta 1,2-); minus strand), TSPAN1 (tetraspanin 1; plus strand). Cytogenetic location: 1p34.1.
Variant type: single nucleotide variant.
Coding change: c.782T>C on transcript NM_017739.4 (MANE Select); coding-DNA position 782, T replaced by C.
Protein change: p.Leu261Pro; replaces leucine 261 with proline.
Molecular consequence: missense variant.
Genome position (GRCh38, 1-based): chr1:46,194,371, A>G on the plus strand (T>C on the coding strand, the complement: POMGNT1 is on the minus strand). VCF-style: chr1-46194371-A-G. GRCh37 (hg19) VCF-style: chr1-46660043-A-G.
Other names: c.782T>C, p.Leu261Pro (NM_001243766.2, NM_001410783.1); c.716T>C, p.Leu239Pro (NM_001290129.3); c.353T>C, p.Leu118Pro (NM_001290130.2); short protein forms L118P, L239P, L261P.
Identifiers: ClinVar variation 2170158 (VCV002170158.1), dbSNP rs764807133, ClinGen allele CA833607.
Genomic context (GRCh38, chr1:46,194,371, plus strand): 5'-CAGCTGCATACACTTCCATAGCCCTCAACTTTGCTGCAGAAGCGCCGGCGGCGACGGTTC[A>G]GCTCTGTGTCTGCCCAGTGGCACTCTGCCTCTGAGGGAAGGATGCGGTTGTCATGGAGGC-3'
Protein context (NP_060209.4, residues 251-271): EAECHWADTE[Leu261Pro]NRRRRRFCSK

ClinVar aggregate classification (germline): Uncertain significance (1 of 4 stars; one submission).

Conditions:
Autosomal recessive limb-girdle muscular dystrophy type 2O. Also called: Limb-Girdle Muscular Dystrophy Type 3C; MUSCULAR DYSTROPHY-DYSTROGLYCANOPATHY (LIMB-GIRDLE), TYPE C, 3; MUSCULAR DYSTROPHY-DYSTROGLYCANOPATHY, LIMB-GIRDLE, POMGNT1-RELATED. Identifiers: Orphanet 206564, MedGen C3150417, MONDO:0013161, OMIM 613157.
Muscular dystrophy-dystroglycanopathy (congenital with impaired intellectual development), type B, 3. Also called: Muscular dystrophy-dystroglycanopathy (congenital with intellectual disability), type B3; MUSCULAR DYSTROPHY, CONGENITAL, POMGNT1-RELATED. Identifiers: MedGen C3150412, MONDO:0013155, OMIM 613151.

Allele frequency attached by ClinVar (database versions not stated): TOPMed below 0.00001; gnomAD 0.00001; gnomAD exomes 0.00001; ExAC 0.00002.
gnomAD v4.1: 5 of 1,614,110 alleles (0.00031%); highest among the groups gnomAD compares: East Asian, 0.011%; no homozygotes.

Submission:

Labcorp Genetics (formerly Invitae), Labcorp
Classification: Uncertain significance for Autosomal recessive limb-girdle muscular dystrophy type 2O; Muscular dystrophy-dystroglycanopathy (congenital with impaired intellectual development), type B, 3. Last evaluated: 2022-04-20. Review status: criteria provided, single submitter. Criteria: Invitae Variant Classification Sherloc (09022015). Collection method: clinical testing. Allele origin: germline.
Comment: This sequence change replaces leucine, which is neutral and non-polar, with proline, which is neutral and non-polar, at codon 261 of the POMGNT1 protein (p.Leu261Pro). This variant is present in population databases (rs764807133, gnomAD 0.02%). This variant has not been reported in the literature in individuals affected with POMGNT1-related conditions. Advanced modeling of protein sequence and biophysical properties (such as structural, functional, and spatial information, amino acid conservation, physicochemical variation, residue mobility, and thermodynamic stability) performed at Invitae indicates that this missense variant is not expected to disrupt POMGNT1 protein function. In summary, the available evidence is currently insufficient to determine the role of this variant in disease. Therefore, it has been classified as a Variant of Uncertain Significance.